The following is an entry in ClinVar:

NM_030662.4(MAP2K2):c.580+14C>T

Gene: MAP2K2 (mitogen-activated protein kinase kinase 2; minus strand). Cytogenetic location: 19p13.3.
Variant type: single nucleotide variant.
Coding change: c.580+14C>T on transcript NM_030662.4 (MANE Select); 14 bases into the intron after coding-DNA position 580, C replaced by T.
Molecular consequence: intron variant.
Genome position (GRCh38, 1-based): chr19:4,101,215, G>A on the plus strand (C>T on the coding strand, the complement: MAP2K2 is on the minus strand). VCF-style: chr19-4101215-G-A. GRCh37 (hg19) VCF-style: chr19-4101213-G-A.
Identifiers: ClinVar variation 379086 (VCV000379086.10), dbSNP rs544557960, ClinGen allele CA9090899.

ClinVar aggregate classification (germline): Likely benign. Review status: criteria provided, multiple submitters, no conflicts (2 of 4 stars). 3 submissions from 3 submitters: Likely benign (3). Last evaluated 2026-02-02.

Conditions:
RASopathy. Also called: rasopathies; Noonan spectrum disorder. Identifiers: Orphanet 536391, MedGen C5555857, MONDO:0021060.

Allele frequency attached by ClinVar (database versions not stated): 1000 Genomes Project 0.00040; 1000 Genomes Project 30x 0.00062; gnomAD exomes 0.00006; ExAC 0.00008; gnomAD 0.00009; TOPMed 0.00009.
gnomAD v4.1: 75 of 1,591,546 alleles (0.0047%); highest among the groups gnomAD compares: South Asian, 0.023%; no homozygotes.

Submissions (3):

Labcorp Genetics (formerly Invitae), Labcorp
Classification: Likely benign for RASopathy. Last evaluated: 2026-02-02. Review status: criteria provided, single submitter. Criteria: Invitae Variant Classification Sherloc (09022015). Collection method: clinical testing. Allele origin: germline.

Blueprint Genetics
Classification: Likely benign. Last evaluated: 2024-08-01. Review status: criteria provided, single submitter. Criteria: ACMG Guidelines, 2015. Collection method: clinical testing. Allele origin: germline.

GeneDx
Classification: Likely benign. Last evaluated: 2017-03-16. Review status: criteria provided, single submitter. Criteria: GeneDx Variant Classification (06012015). Collection method: clinical testing. Allele origin: germline. Affected: yes.
Comment: This variant is considered likely benign or benign based on one or more of the following criteria: it is a conservative change, it occurs at a poorly conserved position in the protein, it is predicted to be benign by multiple in silico algorithms, and/or has population frequency not consistent with disease.